The following is an entry in ClinVar:

NM_000077.5(CDKN2A):c.151-861_252del

Gene: CDKN2A (cyclin dependent kinase inhibitor 2A; minus strand). Cytogenetic location: 9p21.3.
Variant type: Deletion.
Coding change: c.151-861_252del on transcript NM_000077.5 (MANE Select); 861 bases into the intron before coding-DNA position 151 through coding-DNA position 252, 963 bases deleted.
Molecular consequence: splice acceptor variant. On other transcripts: initiator codon variant (1).
Genome position (GRCh38, 1-based): chr9:21,971,107-21,972,069, 963 bases deleted. GRCh37 (hg19): chr9:21,971,108-21,972,070.
Other names: c.-3-861_99del (NM_001363763.2); c.194-861_295del (NM_058195.4); c.151-861_252del (NM_001195132.2); c.*74-861_*175del (NM_058197.5).
Identifiers: ClinVar variation 1456941 (VCV001456941.6), ClinGen allele CA2573143731.

ClinVar aggregate classification (germline): Pathogenic (1 of 4 stars; one submission).

Conditions:
Familial melanoma. Also called: Hereditary melanoma; Hereditary cutaneous melanoma. Identifiers: Orphanet 618, MedGen C1512419, MONDO:0018961.

Submission:

Labcorp Genetics (formerly Invitae), Labcorp
Classification: Pathogenic for Familial melanoma. Last evaluated: 2025-05-12. Review status: criteria provided, single submitter. Criteria: Invitae Variant Classification Sherloc (09022015). Collection method: clinical testing. Allele origin: germline.
Comment: The CDKN2A gene encodes two different proteins, p16INK4a and p14ARF, which are translated from alternative transcripts with different open reading frames. Both transcripts have been analyzed. We report either the variant with the higher classification or default to the CDKN2A (p16INK4a) variant. This report therefore includes the details for the CDKN2A (p16INK4a) variant. This variant results in the deletion of part of exon 2 (c.151-861_252del) of the CDKN2A (p16INK4a) gene. It is expected to disrupt RNA splicing. Variants that disrupt the donor or acceptor splice site typically lead to a loss of protein function (PMID: 16199547), and loss-of-function variants in CDKN2A (p16INK4a) are known to be pathogenic (PMID: 15146471, 16905682). This variant is not present in population databases (gnomAD no frequency). This variant has been observed in individual(s) with clinical features of CDKN2A (p16INK4a)-related conditions and CDKN2A (p14ARF)-related conditions (internal data). This variant is also known as c.194-861_295del in the CDKN2A (p14ARF) transcript. ClinVar contains an entry for this variant (Variation ID: 1456941). This variant disrupts a region of the CDKN2A (p16INK4a) protein in which other variant(s) (p.Pro81Arg) have been determined to be pathogenic (PMID: 18023021, 19260062, 21462282, 26800492, 27804060). This suggests that this is a clinically significant region of the protein, and that variants that disrupt it are likely to be disease-causing. For these reasons, this variant has been classified as Pathogenic. The evidence indicates that this variant confers risk of developing CDKN2A (p16INK4a) and CDKN2A (p14ARF)-associated conditions.

Literature cited by the submitters: PubMed 16199547; PubMed 15146471; PubMed 16905682; PubMed 18023021; PubMed 19260062; PubMed 21462282; PubMed 26800492; PubMed 27804060.